The following is an entry in ClinVar:

NM_000709.4(BCKDHA):c.565C>T (p.Arg189Cys)

Gene: BCKDHA (branched chain keto acid dehydrogenase E1 subunit alpha; plus strand). Cytogenetic location: 19q13.2.
Variant type: single nucleotide variant.
Coding change: c.565C>T on transcript NM_000709.4 (MANE Select); coding-DNA position 565, C replaced by T.
Protein change: p.Arg189Cys; replaces arginine 189 with cysteine.
Molecular consequence: missense variant.
Genome position (GRCh38, 1-based): chr19:41,419,215, C>T. VCF-style: chr19-41419215-C-T. GRCh37 (hg19) VCF-style: chr19-41925120-C-T.
Other names: c.565C>T, p.Arg189Cys (NM_001164783.2); c.565C>T (NM_000709.3); short protein forms R189C.
Identifiers: ClinVar variation 282250 (VCV000282250.15), dbSNP rs886042356, ClinGen allele CA10604119.
Genomic context (GRCh38, chr19:41,419,215, plus strand): 5'-TACCCCCTGGAACTATTCATGGCCCAGTGCTATGGCAACATCAGTGACTTGGGCAAGGGG[C>T]GCCAGATGCCTGTCCACTACGGCTGCAAGGAACGCCACTTCGTCACTATCTCCTCTCCAC-3'
Protein context (NP_000700.1, residues 179-199): YGNISDLGKG[Arg189Cys]QMPVHYGCKE

ClinVar aggregate classification (germline): Conflicting classifications of pathogenicity. Review status: criteria provided, conflicting classifications (1 of 4 stars). 4 submissions from 4 submitters: Pathogenic (1); Likely pathogenic (1); Uncertain significance (2). Last evaluated 2025-09-10.

Conditions:
Maple syrup urine disease (MSUD). Identifiers: Orphanet 511, MedGen C0024776, MeSH D008375, MONDO:0009563. Disease mechanism: loss of function.

Allele frequency attached by ClinVar (database versions not stated): gnomAD exomes below 0.00001 and 0.00001; gnomAD 0.00002.
gnomAD v4.1: 10 of 1,614,104 alleles (0.00062%); highest among the groups gnomAD compares: Middle Eastern, 0.016%; no homozygotes.

Submissions (4):

Women's Health and Genetics/Laboratory Corporation of America, LabCorp
Classification: Uncertain significance. Last evaluated: 2025-09-10. Review status: criteria provided, single submitter. Criteria: LabCorp Variant Classification Summary - May 2015. Collection method: clinical testing. Allele origin: germline.
Comment: Variant summary: BCKDHA c.565C>T (p.Arg189Cys) results in a non-conservative amino acid change located in the Dehydrogenase E1 component (IPR001017) of the encoded protein sequence. Algorithms developed to predict the effect of missense changes on protein structure and function all suggest that this variant is likely to be disruptive. The variant allele was found at a frequency of 8e-06 in 251444 control chromosomes. The available data on variant occurrences in the general population are insufficient to allow any conclusion about variant significance. c.565C>T has been observed in the presumed compound heterozygous state in at least 1 individual(s) affected with Maple Syrup Urine Disease (Sun_2020, Dong_2020, Li_2023). These data do not allow any conclusion about variant significance. To our knowledge, no experimental evidence demonstrating an impact on protein function has been reported. The following publications have been ascertained in the context of this evaluation (PMID: 32005694, 37305718, 32193832, 34556729). ClinVar contains an entry for this variant (Variation ID: 282250). Based on the evidence outlined above, the variant was classified as uncertain significance.

GeneDx
Classification: Likely pathogenic. Last evaluated: 2025-01-20. Review status: criteria provided, single submitter. Criteria: GeneDx Variant Classification Process June 2021. Collection method: clinical testing. Allele origin: germline. Affected: yes.
Comment: Not observed at significant frequency in large population cohorts (gnomAD); In silico analysis supports that this missense variant has a deleterious effect on protein structure/function; This variant is associated with the following publications: (PMID: 32005694, 32193832)

Labcorp Genetics (formerly Invitae), Labcorp
Classification: Pathogenic for Maple syrup urine disease. Last evaluated: 2024-09-05. Review status: criteria provided, single submitter. Criteria: Invitae Variant Classification Sherloc (09022015). Collection method: clinical testing. Allele origin: germline.
Comment: This sequence change replaces arginine, which is basic and polar, with cysteine, which is neutral and slightly polar, at codon 189 of the BCKDHA protein (p.Arg189Cys). This variant is present in population databases (no rsID available, gnomAD 0.01%). This missense change has been observed in individual(s) with maple syrup urine disease (PMID: 32005694, 32193832). In at least one individual the data is consistent with being in trans (on the opposite chromosome) from a pathogenic variant. ClinVar contains an entry for this variant (Variation ID: 282250). Invitae Evidence Modeling of protein sequence and biophysical properties (such as structural, functional, and spatial information, amino acid conservation, physicochemical variation, residue mobility, and thermodynamic stability) indicates that this missense variant is expected to disrupt BCKDHA protein function with a positive predictive value of 80%. For these reasons, this variant has been classified as Pathogenic.

Eurofins Ntd Llc (ga)
Classification: Uncertain significance. Last evaluated: 2015-08-06. Review status: criteria provided, single submitter. Criteria: EGL Classification Definitions 2015. Collection method: clinical testing. Allele origin: germline. Observed: 3 variant alleles, 2 heterozygotes, 1 homozygote.

Literature cited by the submitters: PubMed 32005694 (cited by Women's Health and Genetics/Laboratory Corporation of America, LabCorp and Labcorp Genetics (formerly Invitae), Labcorp); PubMed 34556729 (cited by Women's Health and Genetics/Laboratory Corporation of America, LabCorp); PubMed 37305718 (cited by Women's Health and Genetics/Laboratory Corporation of America, LabCorp); PubMed 32193832 (cited by Women's Health and Genetics/Laboratory Corporation of America, LabCorp and Labcorp Genetics (formerly Invitae), Labcorp).